The following is an entry in ClinVar:

NM_182515.4(ZNF714):c.690A>G (p.Arg230=)

Gene: ZNF714 (zinc finger protein 714; plus strand). Cytogenetic location: 19p12.
Variant type: single nucleotide variant.
Coding change: c.690A>G on transcript NM_182515.4 (MANE Select); coding-DNA position 690, A replaced by G.
Protein change: p.Arg230=; no amino-acid change (arginine 230 retained).
Molecular consequence: synonymous variant. On other transcripts: non-coding transcript variant (2).
Genome position (GRCh38, 1-based): chr19:21,117,354, A>G. VCF-style: chr19-21117354-A-G. GRCh37 (hg19) VCF-style: chr19-21300157-A-G.
Identifiers: ClinVar variation 2649620 (VCV002649620.24), dbSNP rs750226318, ClinGen allele CA9337980.
Genomic context (GRCh38, chr19:21,117,354, plus strand): 5'-TAAGCACTCCTCAACCCTTACTACACATAAGATGATTCATACTGGAGAGAAACCCTACAG[A>G]TGTGAAGAATGTGGCAAAGCCTTCTACCATTCTTCACACCTTACTACACATAAGGTAATT-3'
Protein context (NP_872321.2, residues 220-240): KMIHTGEKPY[Arg230=]CEECGKAFYH

ClinVar aggregate classification (germline): Likely benign (1 of 4 stars; one submission).

Allele frequency attached by ClinVar (database versions not stated): gnomAD exomes below 0.00001; ExAC 0.00001.
gnomAD v4.1: 2 of 1,613,192 alleles (0.00012%); highest among the groups gnomAD compares: South Asian, 0.0011%; no homozygotes.

Submission:

CeGaT Center for Human Genetics Tuebingen
Classification: Likely benign. Last evaluated: 2023-08-01. Review status: criteria provided, single submitter. Criteria: CeGaT Center For Human Genetics Tuebingen Variant Classification Criteria Version 2. Collection method: clinical testing. Allele origin: germline. Affected: yes. Observed: 1 variant allele.
Comment: ZNF714: BP4, BP7